The following is an entry in ClinVar:

NM_005228.5(EGFR):c.2002A>C (p.Met668Leu)

Gene: EGFR (epidermal growth factor receptor; plus strand). Cytogenetic location: 7p11.2.
Variant type: single nucleotide variant.
Coding change: c.2002A>C on transcript NM_005228.5 (MANE Select); coding-DNA position 2002, A replaced by C.
Protein change: p.Met668Leu; replaces methionine 668 with leucine.
Molecular consequence: missense variant.
Genome position (GRCh38, 1-based): chr7:55,173,065, A>C. VCF-style: chr7-55173065-A-C. GRCh37 (hg19) VCF-style: chr7-55240758-A-C.
Other names: c.1867A>C, p.Met623Leu (NM_001346897.2, NM_001346899.2); c.2002A>C, p.Met668Leu (NM_001346898.2); c.1843A>C, p.Met615Leu (NM_001346900.2); c.1201A>C, p.Met401Leu (NM_001346941.2); short protein forms M668L, M401L, M615L, M623L.
Identifiers: ClinVar variation 2108997 (VCV002108997.4), dbSNP rs746757722, ClinGen allele CA367583105.

ClinVar aggregate classification (germline): Uncertain significance (1 of 4 stars; one submission).

Conditions:
EGFR-related lung cancer (EGFR). Identifiers: MedGen CN130014.

Allele frequency attached by ClinVar (database versions not stated): gnomAD 0.00001.
gnomAD v4.1: 6 of 1,613,442 alleles (0.00037%); highest among the groups gnomAD compares: South Asian, 0.0066%; no homozygotes.

Submission:

Labcorp Genetics (formerly Invitae), Labcorp
Classification: Uncertain significance for EGFR-related lung cancer. Last evaluated: 2022-03-11. Review status: criteria provided, single submitter. Criteria: Invitae Variant Classification Sherloc (09022015). Collection method: clinical testing. Allele origin: germline.
Comment: This sequence change replaces methionine, which is neutral and non-polar, with leucine, which is neutral and non-polar, at codon 668 of the EGFR protein (p.Met668Leu). Algorithms developed to predict the effect of missense changes on protein structure and function output the following: SIFT: "Tolerated"; PolyPhen-2: "Benign"; Align-GVGD: "Class C0". The leucine amino acid residue is found in multiple mammalian species, which suggests that this missense change does not adversely affect protein function. In summary, the available evidence is currently insufficient to determine the role of this variant in disease. Therefore, it has been classified as a Variant of Uncertain Significance. This variant has not been reported in the literature in individuals affected with EGFR-related conditions. This variant is present in population databases (no rsID available, gnomAD 0.003%).